The following is an entry in ClinVar:

ClinVar aggregate classification (germline): Uncertain significance. Review status: criteria provided, multiple submitters, no conflicts (2 of 4 stars). 3 submissions from 3 submitters: Uncertain significance (3). Last evaluated 2025-09-21.

Conditions:
Dilated cardiomyopathy 1JJ (CMD1JJ). Identifiers: Orphanet 154, MedGen C3808935, MONDO:0014095, OMIM 615235.
Cardiovascular phenotype. Identifiers: MedGen CN230736.

Allele frequency attached by ClinVar (database versions not stated): TOPMed 0.00001.
gnomAD v4.1: 28 of 1,613,930 alleles (0.0017%); highest among the groups gnomAD compares: Non-Finnish European, 0.0023%; no homozygotes.

Submissions (3):

Labcorp Genetics (formerly Invitae), Labcorp
Classification: Uncertain significance for Dilated cardiomyopathy 1JJ. Last evaluated: 2025-09-21. Review status: criteria provided, single submitter. Criteria: Invitae Variant Classification Sherloc (09022015). Collection method: clinical testing. Allele origin: germline.
Comment: This sequence change replaces serine, which is neutral and polar, with proline, which is neutral and non-polar, at codon 283 of the LAMA4 protein (p.Ser283Pro). This variant is present in population databases (rs782433369, gnomAD 0.003%). This variant has not been reported in the literature in individuals affected with LAMA4-related conditions. ClinVar contains an entry for this variant (Variation ID: 1022290). Invitae Evidence Modeling of protein sequence and biophysical properties (such as structural, functional, and spatial information, amino acid conservation, physicochemical variation, residue mobility, and thermodynamic stability) indicates that this missense variant is not expected to disrupt LAMA4 protein function with a negative predictive value of 80%. In summary, the available evidence is currently insufficient to determine the role of this variant in disease. Therefore, it has been classified as a Variant of Uncertain Significance.

Ambry Genetics
Classification: Uncertain significance for Cardiovascular phenotype. Last evaluated: 2025-07-16. Review status: criteria provided, single submitter. Criteria: Ambry Variant Classification Scheme 2023. Collection method: clinical testing. Allele origin: germline.

Fulgent Genetics
Classification: Uncertain significance for Dilated cardiomyopathy 1JJ. Last evaluated: 2021-08-02. Review status: criteria provided, single submitter. Criteria: ACMG Guidelines, 2015. Collection method: clinical testing. Allele origin: unknown.

NM_001105206.3(LAMA4):c.868T>C (p.Ser290Pro)

Gene: LAMA4 (laminin subunit alpha 4; minus strand). Cytogenetic location: 6q21.
Variant type: single nucleotide variant.
Coding change: c.868T>C on transcript NM_001105206.3 (MANE Select); coding-DNA position 868, T replaced by C.
Protein change: p.Ser290Pro; replaces serine 290 with proline.
Molecular consequence: missense variant.
Genome position (GRCh38, 1-based): chr6:112,187,548, A>G on the plus strand (T>C on the coding strand, the complement: LAMA4 is on the minus strand). VCF-style: chr6-112187548-A-G. GRCh37 (hg19) VCF-style: chr6-112508750-A-G.
Other names: c.847T>C (NM_002290.3); c.847T>C, p.Ser283Pro (NM_001105207.3, NM_002290.5); short protein forms S283P, S290P.
Identifiers: ClinVar variation 1022290 (VCV001022290.11), dbSNP rs782433369, ClinGen allele CA3966006.